The following is an entry in ClinVar:

NM_003227.4(TFR2):c.529C>T (p.Gln177Ter)

Gene: TFR2 (transferrin receptor 2; minus strand). Cytogenetic location: 7q22.1.
Variant type: single nucleotide variant.
Coding change: c.529C>T on transcript NM_003227.4 (MANE Select); coding-DNA position 529, C replaced by T.
Protein change: p.Gln177Ter; replaces glutamine 177 with a stop codon.
Molecular consequence: nonsense.
Genome position (GRCh38, 1-based): chr7:100,633,501, G>A on the plus strand (C>T on the coding strand, the complement: TFR2 is on the minus strand). VCF-style: chr7-100633501-G-A. GRCh37 (hg19) VCF-style: chr7-100231124-G-A.
Other names: c.16C>T, p.Gln6Ter (NM_001206855.3); short protein forms Q177*, Q6*.
Identifiers: ClinVar variation 2002212 (VCV002002212.4), dbSNP rs1034968542, ClinGen allele CA163283003.

ClinVar aggregate classification (germline): Pathogenic (1 of 4 stars; one submission).

Conditions:
Hereditary hemochromatosis (HFE). Identifiers: MedGen C0392514, MONDO:0006507. Disease mechanism: loss of function.

Allele frequency attached by ClinVar (database versions not stated): gnomAD exomes below 0.00001.
gnomAD v4.1: 1 of 1,611,134 alleles (0.000062%); highest among the groups gnomAD compares: Non-Finnish European, 0.000085%; no homozygotes.

Submission:

Labcorp Genetics (formerly Invitae), Labcorp
Classification: Pathogenic for Hereditary hemochromatosis. Last evaluated: 2022-06-03. Review status: criteria provided, single submitter. Criteria: Invitae Variant Classification Sherloc (09022015). Collection method: clinical testing. Allele origin: germline.
Comment: This sequence change creates a premature translational stop signal (p.Gln177*) in the TFR2 gene. It is expected to result in an absent or disrupted protein product. Loss-of-function variants in TFR2 are known to be pathogenic (PMID: 23600741, 26029709). This variant is not present in population databases (gnomAD no frequency). This variant has not been reported in the literature in individuals affected with TFR2-related conditions. For these reasons, this variant has been classified as Pathogenic.

Literature cited by the submitters: PubMed 23600741; PubMed 26029709.